The following is an entry in ClinVar:

ClinVar aggregate classification (germline): Uncertain significance. Review status: criteria provided, multiple submitters, no conflicts (2 of 4 stars). 2 submissions from 2 submitters: Uncertain significance (2). Last evaluated 2023-08-11.

Allele frequency attached by ClinVar (database versions not stated): gnomAD exomes below 0.00001.
gnomAD v4.1: 2 of 1,608,322 alleles (0.00012%); highest among the groups gnomAD compares: Non-Finnish European, 0.00017%; no homozygotes.

Submissions (2):

Ambry Genetics
Classification: Uncertain significance. Last evaluated: 2023-08-11. Review status: criteria provided, single submitter. Criteria: Ambry Variant Classification Scheme 2023. Collection method: clinical testing. Allele origin: germline.
Comment: The p.E98D variant (also known as c.294A>T), located in coding exon 4 of the RINT1 gene, results from an A to T substitution at nucleotide position 294. The glutamic acid at codon 98 is replaced by aspartic acid, an amino acid with highly similar properties. This amino acid position is conserved. In addition, this alteration is predicted to be tolerated by in silico analysis. Since supporting evidence is limited at this time, the clinical significance of this alteration remains unclear.

Labcorp Genetics (formerly Invitae), Labcorp
Classification: Uncertain significance. Last evaluated: 2021-09-21. Review status: criteria provided, single submitter. Criteria: Invitae Variant Classification Sherloc (09022015). Collection method: clinical testing. Allele origin: germline.
Comment: This sequence change replaces glutamic acid with aspartic acid at codon 98 of the RINT1 protein (p.Glu98Asp). The glutamic acid residue is highly conserved and there is a small physicochemical difference between glutamic acid and aspartic acid. This variant is not present in population databases (ExAC no frequency). This variant has not been reported in the literature in individuals affected with RINT1-related conditions. Algorithms developed to predict the effect of missense changes on protein structure and function are either unavailable or do not agree on the potential impact of this missense change (SIFT: "Deleterious"; PolyPhen-2: "Possibly Damaging"; Align-GVGD: "Class C0"). In summary, the available evidence is currently insufficient to determine the role of this variant in disease. Therefore, it has been classified as a Variant of Uncertain Significance.

NM_021930.6(RINT1):c.294A>T (p.Glu98Asp)

Gene: RINT1 (RAD50 interactor 1; plus strand). Cytogenetic location: 7q22.3.
Variant type: single nucleotide variant.
Coding change: c.294A>T on transcript NM_021930.6 (MANE Select); coding-DNA position 294, A replaced by T.
Protein change: p.Glu98Asp; replaces glutamic acid 98 with aspartic acid.
Molecular consequence: missense variant. On other transcripts: 5 prime UTR variant (3), non-coding transcript variant (1).
Genome position (GRCh38, 1-based): chr7:105,542,428, A>T. VCF-style: chr7-105542428-A-T. GRCh37 (hg19) VCF-style: chr7-105182875-A-T.
Other names: c.60A>T, p.Glu20Asp (NM_001346599.2); c.-726A>T (NM_001346600.2); c.-629A>T (NM_001346601.2); c.-249A>T (NM_001346603.2); c.294A>T (NM_021930.4); short protein forms E20D, E98D.
Identifiers: ClinVar variation 1425277 (VCV001425277.7), dbSNP rs2133373076, ClinGen allele CA368802811.
Genomic context (GRCh38, chr7:105,542,428, plus strand): 5'-TGCTGTTCTTTCTTTCTTTCTTTTTTAAAATTATGGTCAGGTACTTACAATTTCATCAGA[A>T]ATTCCTAAAAGAATTCGAAGTGCCTTAAAAAATGCAGAAGAATCAAAGCAATTTCTTAAT-3'
Protein context (NP_068749.3, residues 88-108): LEEQVLTISS[Glu98Asp]IPKRIRSALK